The following is an entry in ClinVar:

ClinVar aggregate classification (germline): Uncertain significance (1 of 4 stars; one submission).

Conditions:
Cardiovascular phenotype. Identifiers: MedGen CN230736.

Submission:

Ambry Genetics
Classification: Uncertain significance for Cardiovascular phenotype. Last evaluated: 2024-02-09. Review status: criteria provided, single submitter. Criteria: Ambry Variant Classification Scheme 2023. Collection method: clinical testing. Allele origin: germline.
Comment: The c.104delC variant, located in coding exon 1 of the KCNE3 gene, results from a deletion of one nucleotide at nucleotide position 104, causing a translational frameshift with a predicted alternate stop codon (p.P35Qfs*36). This alteration is expected to result in protein truncation or nonsense-mediated mRNA decay. However, loss of function of KCNE3 has not been established as a mechanism of disease. The evidence for this gene-disease relationship is limited; therefore, the clinical significance of this alteration is unclear.

NM_005472.5(KCNE3):c.104del (p.Pro35fs)

Gene: KCNE3 (potassium voltage-gated channel subfamily E regulatory subunit 3; minus strand). Cytogenetic location: 11q13.4.
Variant type: Deletion.
Coding change: c.104del on transcript NM_005472.5 (MANE Select); coding-DNA position 104, one base deleted (C; older notation c.104delC).
Protein change: p.Pro35fs; shifts the reading frame from proline 35.
Molecular consequence: frameshift variant.
Genome position (GRCh38, 1-based): chr11:74,457,460, G deleted on the plus strand (C on the coding strand, the reverse complement: KCNE3 is on the minus strand); the first of 2 consecutive G bases (chr11:74,457,460-74,457,461); deleting either gives the same sequence. VCF-style (leftmost placement, unchanged base first): chr11-74457459-TG-T. GRCh37 (hg19) VCF-style: chr11-74168504-TG-T.
Other names: c.104delC (NM_005472.4); short protein forms P35fs.
Identifiers: ClinVar variation 3224706 (VCV003224706.1), dbSNP rs2496086243, ClinGen allele CA2825002043.